The following is an entry in ClinVar:

ClinVar aggregate classification (germline): Uncertain significance. Review status: criteria provided, single submitter (1 of 4 stars). 2 submissions from 2 submitters: Uncertain significance (1). 1 of the submissions does not count toward it. Last evaluated 2025-08-26.

Conditions:
MYH13-related disorder. Also called: MYH13-related condition.

Allele frequency attached by ClinVar (database versions not stated): gnomAD exomes 0.00008; ExAC 0.00021; 1000 Genomes Project 30x 0.00031; ESP Exome Variant Server 0.00031; 1000 Genomes Project 0.00040; gnomAD 0.00095; TOPMed 0.00111.
gnomAD v4.1: 261 of 1,611,430 alleles (0.016%); highest among the groups gnomAD compares: African/African-American, 0.3%; no homozygotes.

Submissions (2):

Ambry Genetics
Classification: Uncertain significance. Last evaluated: 2025-08-26. Review status: criteria provided, single submitter. Criteria: Ambry Variant Classification Scheme 2023. Collection method: clinical testing. Allele origin: germline.

PreventionGenetics, part of Exact Sciences
Classification: Likely benign for MYH13-related condition. Last evaluated: 2022-05-05. Review status: no assertion criteria provided. Collection method: clinical testing. Allele origin: germline. Not counted in ClinVar's aggregate classification.
Comment: This variant is classified as likely benign based on ACMG/AMP sequence variant interpretation guidelines (Richards et al. 2015 PMID: 25741868, with internal and published modifications).

NM_003802.3(MYH13):c.5017G>A (p.Glu1673Lys)

Gene: MYH13 (myosin heavy chain 13; minus strand). Cytogenetic location: 17p13.1.
Variant type: single nucleotide variant.
Coding change: c.5017G>A on transcript NM_003802.3 (MANE Select); coding-DNA position 5017, G replaced by A.
Protein change: p.Glu1673Lys; replaces glutamic acid 1673 with lysine.
Molecular consequence: missense variant.
Genome position (GRCh38, 1-based): chr17:10,309,386, C>T on the plus strand (G>A on the coding strand, the complement: MYH13 is on the minus strand). VCF-style: chr17-10309386-C-T. GRCh37 (hg19) VCF-style: chr17-10212703-C-T.
Other names: short protein forms E1673K.
Identifiers: ClinVar variation 2225042 (VCV002225042.5), dbSNP rs140856441, ClinGen allele CA8385299.